The following is an entry in ClinVar:

ClinVar aggregate classification (germline): Uncertain significance (1 of 4 stars; one submission).

Allele frequency attached by ClinVar (database versions not stated): gnomAD 0.00001; TOPMed 0.00001.
gnomAD v4.1: 2 of 1,614,048 alleles (0.00012%); highest among the groups gnomAD compares: African/African-American, 0.0027%; no homozygotes.

Submission:

GeneDx
Classification: Uncertain significance. Last evaluated: 2024-11-18. Review status: criteria provided, single submitter. Criteria: GeneDx Variant Classification Process June 2021. Collection method: clinical testing. Allele origin: germline.
Comment: Not observed at significant frequency in large population cohorts (gnomAD); In silico analysis supports that this missense variant has a deleterious effect on protein structure/function; Has not been previously published as pathogenic or benign to our knowledge

NM_014991.6(WDFY3):c.3782T>G (p.Leu1261Trp)

Gene: WDFY3 (WD repeat and FYVE domain containing 3; minus strand). Cytogenetic location: 4q21.23.
Variant type: single nucleotide variant.
Coding change: c.3782T>G on transcript NM_014991.6 (MANE Select); coding-DNA position 3782, T replaced by G.
Protein change: p.Leu1261Trp; replaces leucine 1261 with tryptophan.
Molecular consequence: missense variant.
Genome position (GRCh38, 1-based): chr4:84,787,601, A>C on the plus strand (T>G on the coding strand, the complement: WDFY3 is on the minus strand). VCF-style: chr4-84787601-A-C. GRCh37 (hg19) VCF-style: chr4-85708754-A-C.
Other names: short protein forms L1261W.
Identifiers: ClinVar variation 2499933 (VCV002499933.2), dbSNP rs1471845680, ClinGen allele CA357555947.